The following is an entry in ClinVar:

NM_058004.4(PI4KA):c.4505G>A (p.Arg1502His)

Gene: PI4KA (phosphatidylinositol 4-kinase alpha; minus strand). Cytogenetic location: 22q11.21.
Variant type: single nucleotide variant.
Coding change: c.4505G>A on transcript NM_058004.4 (MANE Select); coding-DNA position 4505, G replaced by A.
Protein change: p.Arg1502His; replaces arginine 1502 with histidine.
Molecular consequence: missense variant.
Genome position (GRCh38, 1-based): chr22:20,729,490, C>T on the plus strand (G>A on the coding strand, the complement: PI4KA is on the minus strand). VCF-style: chr22-20729490-C-T. GRCh37 (hg19) VCF-style: chr22-21083778-C-T.
Other names: c.4412G>A, p.Arg1471His (NM_001362862.2); c.4439G>A, p.Arg1480His (NM_001362863.2); short protein forms R1471H, R1480H, R1502H.
Identifiers: ClinVar variation 4533727 (VCV004533727.6).

ClinVar aggregate classification (germline): Uncertain significance (1 of 4 stars; one submission).

gnomAD v4.1: 253 of 1,599,612 alleles (0.016%); highest among the groups gnomAD compares: Non-Finnish European, 0.02%; no homozygotes.

Submission:

CeGaT Center for Human Genetics Tuebingen
Classification: Uncertain significance. Last evaluated: 2025-11-01. Review status: criteria provided, single submitter. Criteria: CeGaT Center For Human Genetics Tuebingen Variant Classification Criteria Version 2. Collection method: clinical testing. Allele origin: germline. Affected: yes. Observed: 1 variant allele.
Comment: PI4KA: PM2, PP3